The following is an entry in ClinVar:

NM_006662.3(SRCAP):c.2029A>G (p.Ser677Gly)

Gene: SRCAP (Snf2 related CREBBP activator protein; plus strand). Cytogenetic location: 16p11.2.
Variant type: single nucleotide variant.
Coding change: c.2029A>G on transcript NM_006662.3 (MANE Select); coding-DNA position 2029, A replaced by G.
Protein change: p.Ser677Gly; replaces serine 677 with glycine.
Molecular consequence: missense variant.
Genome position (GRCh38, 1-based): chr16:30,712,714, A>G. VCF-style: chr16-30712714-A-G. GRCh37 (hg19) VCF-style: chr16-30724035-A-G.
Other names: short protein forms S677G.
Identifiers: ClinVar variation 4082613 (VCV004082613.2).

ClinVar aggregate classification (germline): Uncertain significance (1 of 4 stars; one submission).

Submission:

GeneDx
Classification: Uncertain significance. Last evaluated: 2026-07-10. Review status: criteria provided, single submitter. Criteria: GeneDx Variant Classification Process June 2021. Collection method: clinical testing. Allele origin: germline.
Comment: Not observed at significant frequency in large population cohorts (gnomAD); In silico analysis supports that this missense variant has a deleterious effect on protein structure/function; Has not been previously published as pathogenic or benign to our knowledge